The following is an entry in ClinVar:

NM_006445.4(PRPF8):c.6382C>T (p.Leu2128=)

Gene: PRPF8 (pre-mRNA processing factor 8; minus strand). Cytogenetic location: 17p13.3.
Variant type: single nucleotide variant.
Coding change: c.6382C>T on transcript NM_006445.4 (MANE Select); coding-DNA position 6382, C replaced by T.
Protein change: p.Leu2128=; no amino-acid change (leucine 2128 retained).
Molecular consequence: synonymous variant.
Genome position (GRCh38, 1-based): chr17:1,651,776, G>A on the plus strand (C>T on the coding strand, the complement: PRPF8 is on the minus strand). VCF-style: chr17-1651776-G-A. GRCh37 (hg19) VCF-style: chr17-1555070-G-A.
Identifiers: ClinVar variation 744716 (VCV000744716.13), dbSNP rs138076455, ClinGen allele CA8271188.
Genomic context (GRCh38, chr17:1,651,776, plus strand): 5'-CCATCACAATGCAGCGGATCTCCTTCACCTGGGGGTTATCTGGTGGGCTCACCCCATATA[G>A]GTATCCTGCAATCTGGAGACAAAGGGGTCAGGAACCAAAACTCTTCTTAGTACCAGGTCA-3'
Protein context (NP_006436.3, residues 2118-2138): SDLRAQIAGY[Leu2128=]YGVSPPDNPQ

ClinVar aggregate classification (germline): Benign/Likely benign. Review status: criteria provided, multiple submitters, no conflicts (2 of 4 stars). 4 submissions from 4 submitters: Benign (2); Likely benign (2). Last evaluated 2025-12-21.

Conditions:
PRPF8-related disorder. Also called: PRPF8-related condition.

Allele frequency attached by ClinVar (database versions not stated): gnomAD exomes 0.00008 and 0.00019; ExAC 0.00026; gnomAD 0.00066 and 0.00069; TOPMed 0.00076; ESP Exome Variant Server 0.00077; 1000 Genomes Project 30x 0.00094; 1000 Genomes Project 0.00100.
gnomAD v4.1: 231 of 1,614,126 alleles (0.014%); highest among the groups gnomAD compares: African/African-American, 0.23%; 1 homozygote.

Submissions (4):

Labcorp Genetics (formerly Invitae), Labcorp
Classification: Benign. Last evaluated: 2025-12-21. Review status: criteria provided, single submitter. Criteria: Invitae Variant Classification Sherloc (09022015). Collection method: clinical testing. Allele origin: germline.

PreventionGenetics, part of Exact Sciences
Classification: Likely benign for PRPF8-related condition. Last evaluated: 2024-10-13. Review status: criteria provided, single submitter. Criteria: ACMG Guidelines, 2015. Collection method: clinical testing. Allele origin: germline.
Comment: This variant is classified as likely benign based on ACMG/AMP sequence variant interpretation guidelines (Richards et al. 2015 PMID: 25741868, with internal and published modifications).

Blueprint Genetics
Classification: Likely benign. Last evaluated: 2024-09-07. Review status: criteria provided, single submitter. Criteria: ACMG Guidelines, 2015. Collection method: clinical testing. Allele origin: germline.

Breakthrough Genomics
Classification: Benign. Review status: criteria provided, single submitter. Criteria: ACMG Guidelines, 2015. Collection method: not provided. Allele origin: germline. Inheritance: Autosomal dominant inheritance. Affected: yes.